The following is an entry in ClinVar:

NM_000304.4(PMP22):c.218T>A (p.Ile73Asn)

Gene: PMP22 (peripheral myelin protein 22; minus strand). Cytogenetic location: 17p12.
Variant type: single nucleotide variant.
Coding change: c.218T>A on transcript NM_000304.4 (MANE Select); coding-DNA position 218, T replaced by A.
Protein change: p.Ile73Asn; replaces isoleucine 73 with asparagine.
Molecular consequence: missense variant. On other transcripts: non-coding transcript variant (2).
Genome position (GRCh38, 1-based): chr17:15,239,572, A>T on the plus strand (T>A on the coding strand, the complement: PMP22 is on the minus strand). VCF-style: chr17-15239572-A-T. GRCh37 (hg19) VCF-style: chr17-15142889-A-T.
Other names: c.218T>A, p.Ile73Asn (NM_001281455.2, NM_001281456.2, NM_001330143.2 and 2 more transcripts); short protein forms I73N.
Identifiers: ClinVar variation 1311681 (VCV001311681.2), dbSNP rs1049906036, ClinGen allele CA288098387.

ClinVar aggregate classification (germline): Uncertain significance (1 of 4 stars; one submission).

Allele frequency attached by ClinVar (database versions not stated): TOPMed below 0.00001; gnomAD 0.00001.
gnomAD v4.1: 1 of 1,613,866 alleles (0.000062%); highest among the groups gnomAD compares: Admixed American, 0.0017%; no homozygotes.

Submission:

GeneDx
Classification: Uncertain significance. Last evaluated: 2019-08-30. Review status: criteria provided, single submitter. Criteria: GeneDx Variant Classification Process June 2021. Collection method: clinical testing. Allele origin: germline. Affected: yes.
Comment: Not observed in large population cohorts (Lek et al., 2016); In silico analysis, which includes protein predictors and evolutionary conservation, supports a deleterious effect; Has not been previously published as pathogenic or benign to our knowledge